The following is an entry in ClinVar:

ClinVar aggregate classification (germline): Uncertain significance (1 of 4 stars; one submission).

Allele frequency attached by ClinVar (database versions not stated): TOPMed below 0.00001; gnomAD 0.00001.
gnomAD v4.1: 3 of 1,613,922 alleles (0.00019%); highest among the groups gnomAD compares: Admixed American, 0.0017%; no homozygotes.

Submission:

Labcorp Genetics (formerly Invitae), Labcorp
Classification: Uncertain significance. Last evaluated: 2022-03-24. Review status: criteria provided, single submitter. Criteria: Invitae Variant Classification Sherloc (09022015). Collection method: clinical testing. Allele origin: germline.
Comment: This sequence change replaces serine, which is neutral and polar, with alanine, which is neutral and non-polar, at codon 494 of the GGCX protein (p.Ser494Ala). This variant is not present in population databases (gnomAD no frequency). This missense change has been observed in individual(s) with pulmonary arterial hypertension (PMID: 31727138). Algorithms developed to predict the effect of missense changes on protein structure and function are either unavailable or do not agree on the potential impact of this missense change (SIFT: "Deleterious"; PolyPhen-2: "Possibly Damaging"; Align-GVGD: "Class C0"). In summary, the available evidence is currently insufficient to determine the role of this variant in disease. Therefore, it has been classified as a Variant of Uncertain Significance.

Literature cited by the submitters: PubMed 31727138.

NM_000821.7(GGCX):c.1480T>G (p.Ser494Ala)

Gene: GGCX (gamma-glutamyl carboxylase; minus strand). Cytogenetic location: 2p11.2.
Variant type: single nucleotide variant.
Coding change: c.1480T>G on transcript NM_000821.7 (MANE Select); coding-DNA position 1480, T replaced by G.
Protein change: p.Ser494Ala; replaces serine 494 with alanine.
Molecular consequence: missense variant.
Genome position (GRCh38, 1-based): chr2:85,551,941, A>C on the plus strand (T>G on the coding strand, the complement: GGCX is on the minus strand). VCF-style: chr2-85551941-A-C. GRCh37 (hg19) VCF-style: chr2-85779064-A-C.
Other names: c.1309T>G, p.Ser437Ala (NM_001142269.4); short protein forms S494A, S437A.
Identifiers: ClinVar variation 1916223 (VCV001916223.5), dbSNP rs1691973501, ClinGen allele CA347485002.